The following is an entry in ClinVar:

ClinVar aggregate classification (germline): Uncertain significance. Review status: criteria provided, multiple submitters, no conflicts (2 of 4 stars). 2 submissions from 2 submitters: Uncertain significance (2). Last evaluated 2024-11-03.

Conditions:
CDH23-related disorder. Also called: CDH23-related disorders; CDH23-related condition.

Allele frequency attached by ClinVar (database versions not stated): gnomAD 0.00001; gnomAD exomes 0.00001; TOPMed 0.00001.
gnomAD v4.1: 11 of 1,613,782 alleles (0.00068%); highest among the groups gnomAD compares: Admixed American, 0.0033%; no homozygotes.

Submissions (2):

PreventionGenetics, part of Exact Sciences
Classification: Uncertain significance for CDH23-related condition. Last evaluated: 2024-11-03. Review status: criteria provided, single submitter. Criteria: ACMG Guidelines, 2015. Collection method: clinical testing. Allele origin: germline.
Comment: The CDH23 c.3607G>A variant is predicted to result in the amino acid substitution p.Asp1203Asn. To our knowledge, this variant has not been reported in the literature. This variant is reported in 0.0058% of alleles in individuals of Latino descent in gnomAD. At this time, the clinical significance of this variant is uncertain due to the absence of conclusive functional and genetic evidence.

GeneDx
Classification: Uncertain significance. Last evaluated: 2022-12-21. Review status: criteria provided, single submitter. Criteria: GeneDx Variant Classification Process June 2021. Collection method: clinical testing. Allele origin: germline. Affected: yes.
Comment: Not observed at significant frequency in large population cohorts (gnomAD); In silico analysis supports that this missense variant has a deleterious effect on protein structure/function; Has not been previously published as pathogenic or benign to our knowledge

NM_022124.6(CDH23):c.3607G>A (p.Asp1203Asn)

Genes: C10orf105 (chromosome 10 open reading frame 105; minus strand), CDH23 (cadherin related 23; plus strand). Cytogenetic location: 10q22.1.
Variant type: single nucleotide variant.
Coding change: c.3607G>A on transcript NM_022124.6 (MANE Select); coding-DNA position 3607, G replaced by A.
Protein change: p.Asp1203Asn; replaces aspartic acid 1203 with asparagine.
Molecular consequence: missense variant. On other transcripts: intron variant (1).
Genome position (GRCh38, 1-based): chr10:71,730,496, G>A. VCF-style: chr10-71730496-G-A. GRCh37 (hg19) VCF-style: chr10-73490253-G-A.
Other names: c.3607G>A, p.Asp1203Asn (NM_001171930.2); c.-6+7232C>T (NM_001168390.2); short protein forms D1203N.
Identifiers: ClinVar variation 2506668 (VCV002506668.2), dbSNP rs768067666, ClinGen allele CA5544789.